The following is an entry in ClinVar:

NM_000260.4(MYO7A):c.457T>A (p.Cys153Ser)

Gene: MYO7A (myosin VIIA; plus strand). Cytogenetic location: 11q13.5.
Variant type: single nucleotide variant.
Coding change: c.457T>A on transcript NM_000260.4 (MANE Select); coding-DNA position 457, T replaced by A.
Protein change: p.Cys153Ser; replaces cysteine 153 with serine.
Molecular consequence: missense variant.
Genome position (GRCh38, 1-based): chr11:77,156,078, T>A. VCF-style: chr11-77156078-T-A. GRCh37 (hg19) VCF-style: chr11-76867124-T-A.
Other names: c.457T>A, p.Cys153Ser (NM_001127180.2); c.424T>A, p.Cys142Ser (NM_001369365.1); short protein forms C142S, C153S.
Identifiers: ClinVar variation 4800475 (VCV004800475.1).
Genomic context (GRCh38, chr11:77,156,078, plus strand): 5'-CACATCTTTGCCATTGCTGACAACTGCTACTTCAACATGAAACGCAACAGCCGAGACCAG[T>A]GCTGCATCATCAGGTGGGCGGCCCAGCACCTGTGTGGAGCTCCAGGCTTAGGACCTAGAG-3'
Protein context (NP_000251.3, residues 143-163): FNMKRNSRDQ[Cys153Ser]CIISGESGAG

ClinVar aggregate classification (germline): Uncertain significance (1 of 4 stars; one submission).

Submission:

Labcorp Genetics (formerly Invitae), Labcorp
Classification: Uncertain significance. Last evaluated: 2025-08-29. Review status: criteria provided, single submitter. Criteria: Invitae Variant Classification Sherloc (09022015). Collection method: clinical testing. Allele origin: germline.
Comment: This sequence change replaces cysteine, which is neutral and slightly polar, with serine, which is neutral and polar, at codon 153 of the MYO7A protein (p.Cys153Ser). This variant is not present in population databases (gnomAD no frequency). This variant has not been reported in the literature in individuals affected with MYO7A-related conditions. Invitae Evidence Modeling of protein sequence and biophysical properties (such as structural, functional, and spatial information, amino acid conservation, physicochemical variation, residue mobility, and thermodynamic stability) indicates that this missense variant is not expected to disrupt MYO7A protein function with a negative predictive value of 95%. In summary, the available evidence is currently insufficient to determine the role of this variant in disease. Therefore, it has been classified as a Variant of Uncertain Significance.